The following is an entry in ClinVar:

NM_017636.4(TRPM4):c.217G>A (p.Asp73Asn)

Gene: TRPM4 (transient receptor potential cation channel subfamily M member 4; plus strand). Cytogenetic location: 19q13.33.
Variant type: single nucleotide variant.
Coding change: c.217G>A on transcript NM_017636.4 (MANE Select); coding-DNA position 217, G replaced by A.
Protein change: p.Asp73Asn; replaces aspartic acid 73 with asparagine.
Molecular consequence: missense variant. On other transcripts: 5 prime UTR variant (1), intron variant (2).
Genome position (GRCh38, 1-based): chr19:49,166,165, G>A. VCF-style: chr19-49166165-G-A. GRCh37 (hg19) VCF-style: chr19-49669422-G-A.
Other names: c.217G>A, p.Asp73Asn (NM_001195227.2, NM_001321281.2); c.-1156G>A (NM_001321282.2); c.-74-2095G>A (NM_001321283.2); c.-237-2388G>A (NM_001321285.2); short protein forms D73N.
Identifiers: ClinVar variation 985629 (VCV000985629.10), dbSNP rs775526463, ClinGen allele CA9568722.

ClinVar aggregate classification (germline): Conflicting classifications of pathogenicity. Review status: criteria provided, conflicting classifications (1 of 4 stars). 2 submissions from 2 submitters: Uncertain significance (1); Likely benign (1). Last evaluated 2024-12-10.

Conditions:
Cardiovascular phenotype. Identifiers: MedGen CN230736.
Progressive familial heart block type IB (PFHB1B). Identifiers: Orphanet 871, MedGen C1970298, MONDO:0011474, OMIM 604559.

Allele frequency attached by ClinVar (database versions not stated): ExAC 0.00001; gnomAD 0.00001; TOPMed 0.00001.
gnomAD v4.1: 8 of 1,609,016 alleles (0.0005%); highest among the groups gnomAD compares: Non-Finnish European, 0.00068%; no homozygotes.

Submissions (2):

Labcorp Genetics (formerly Invitae), Labcorp
Classification: Uncertain significance for Progressive familial heart block type IB. Last evaluated: 2024-12-10. Review status: criteria provided, single submitter. Criteria: Invitae Variant Classification Sherloc (09022015). Collection method: clinical testing. Allele origin: germline.
Comment: This sequence change replaces aspartic acid, which is acidic and polar, with asparagine, which is neutral and polar, at codon 73 of the TRPM4 protein (p.Asp73Asn). This variant is not present in population databases (gnomAD no frequency). This variant has not been reported in the literature in individuals affected with TRPM4-related conditions. ClinVar contains an entry for this variant (Variation ID: 985629). An algorithm developed to predict the effect of missense changes on protein structure and function (PolyPhen-2) suggests that this variant is likely to be disruptive. In summary, the available evidence is currently insufficient to determine the role of this variant in disease. Therefore, it has been classified as a Variant of Uncertain Significance.

Ambry Genetics
Classification: Likely benign for Cardiovascular phenotype. Last evaluated: 2024-02-27. Review status: criteria provided, single submitter. Criteria: Ambry Variant Classification Scheme 2023. Collection method: clinical testing. Allele origin: germline.